The following is an entry in ClinVar:

ClinVar aggregate classification (germline): Uncertain significance (1 of 4 stars; one submission).

Allele frequency attached by ClinVar (database versions not stated): TOPMed below 0.00001.
gnomAD v4.1: 1 of 1,612,654 alleles (0.000062%); highest among the groups gnomAD compares: South Asian, 0.0011%; no homozygotes.

Submission:

GeneDx
Classification: Uncertain significance. Last evaluated: 2022-06-13. Review status: criteria provided, single submitter. Criteria: GeneDx Variant Classification Process June 2021. Collection method: clinical testing. Allele origin: germline. Affected: yes.
Comment: Not observed at significant frequency in large population cohorts (gnomAD); In silico analysis supports that this missense variant does not alter protein structure/function; Has not been previously published as pathogenic or benign to our knowledge

NM_001211.6(BUB1B):c.2129C>A (p.Thr710Asn)

Gene: BUB1B (BUB1 mitotic checkpoint serine/threonine kinase B; plus strand). Cytogenetic location: 15q15.1.
Variant type: single nucleotide variant.
Coding change: c.2129C>A on transcript NM_001211.6 (MANE Select); coding-DNA position 2129, C replaced by A.
Protein change: p.Thr710Asn; replaces threonine 710 with asparagine.
Molecular consequence: missense variant.
Genome position (GRCh38, 1-based): chr15:40,208,756, C>A. VCF-style: chr15-40208756-C-A. GRCh37 (hg19) VCF-style: chr15-40500957-C-A.
Other names: short protein forms T710N.
Identifiers: ClinVar variation 1804301 (VCV001804301.1), dbSNP rs2037670153, ClinGen allele CA391693884.
Genomic context (GRCh38, chr15:40,208,756, plus strand): 5'-CCTCGGTTGCAAGCACCTCCTCCATCAAATGTCTTCAAATTCCTGAGAAACTAGAACTTA[C>A]TAATGAGACTTCAGGTAGGATATACATACCACTATATCCATGCCTAGTGAACACTTGTTT-3'
Protein context (NP_001202.5, residues 700-720): CLQIPEKLEL[Thr710Asn]NETSENPTQS